The following is an entry in ClinVar:

ClinVar aggregate classification (germline): Uncertain significance (1 of 4 stars; one submission).

Submission:

Labcorp Genetics (formerly Invitae), Labcorp
Classification: Uncertain significance. Last evaluated: 2023-10-04. Review status: criteria provided, single submitter. Criteria: Invitae Variant Classification Sherloc (09022015). Collection method: clinical testing. Allele origin: unknown.
Comment: A copy number gain of the genomic region encompassing the full coding sequence of the MNX1 gene has been identified. The boundaries of this event are unknown as they extend beyond the assayed region for this gene and therefore may encompass additional genes. As the precise location of this event is unknown, it may be in tandem or it may be located elsewhere in the genome. This variant has not been reported in the literature in individuals affected with MNX1-related conditions. In summary, the available evidence is currently insufficient to determine the role of this variant in disease. Therefore, it has been classified as a Variant of Uncertain Significance.

NC_000007.13:g.(?_156798214)_(157202715_?)dup

Genes: DNAJB6 (DnaJ heat shock protein family (Hsp40) member B6; plus strand), MNX1 (motor neuron and pancreas homeobox 1; minus strand), UBE3C (ubiquitin protein ligase E3C; plus strand). Cytogenetic location: 7q36.3.
Variant type: Duplication.
Identifiers: ClinVar variation 3245892 (VCV003245892.1).